The following is an entry in ClinVar:

ClinVar aggregate classification (germline): Uncertain significance (1 of 4 stars; one submission).

Allele frequency attached by ClinVar (database versions not stated): gnomAD exomes below 0.00001; gnomAD 0.00001; TOPMed 0.00002.
gnomAD v4.1: 2 of 1,612,522 alleles (0.00012%); highest among the groups gnomAD compares: African/African-American, 0.0027%; no homozygotes.

Submission:

Mayo Clinic Laboratories, Mayo Clinic
Classification: Uncertain significance. Last evaluated: 2022-05-10. Review status: criteria provided, single submitter. Criteria: ACMG Guidelines, 2015. Collection method: clinical testing. Allele origin: germline. Observed: 1 variant allele.
Comment: PM2

NM_001128178.3(NPHP1):c.1513T>C (p.Ser505Pro)

Gene: NPHP1 (nephrocystin 1; minus strand). Cytogenetic location: 2q13.
Variant type: single nucleotide variant.
Coding change: c.1513T>C on transcript NM_001128178.3 (MANE Select); coding-DNA position 1513, T replaced by C.
Protein change: p.Ser505Pro; replaces serine 505 with proline.
Molecular consequence: missense variant.
Genome position (GRCh38, 1-based): chr2:110,143,558, A>G on the plus strand (T>C on the coding strand, the complement: NPHP1 is on the minus strand). VCF-style: chr2-110143558-A-G. GRCh37 (hg19) VCF-style: chr2-110901135-A-G.
Other names: p.Ser561Pro; c.1681T>C, p.Ser561Pro (NM_000272.5); c.1324T>C, p.Ser442Pro (NM_001128179.3); c.1510T>C, p.Ser504Pro (NM_001374256.1); c.1513T>C, p.Ser505Pro (NM_001374257.1); c.1678T>C, p.Ser560Pro (NM_207181.4); short protein forms S442P, S504P, S505P, S560P, S561P.
Identifiers: ClinVar variation 2682743 (VCV002682743.1), dbSNP rs903701752, ClinGen allele CA53533966.
Genomic context (GRCh38, chr2:110,143,558, plus strand): 5'-TGAATGATCCCAAATTCACTGGACAGGTAAAAGCAGGTACCCACCTTAGTACATTTCTTG[A>G]TCTTCTGTTCAAGGATCTCAGTTTCACTAGAAGTTGAGGCTGCCTTCTCATTGTCATAAT-3'
Protein context (NP_001121650.1, residues 495-515): LVKLRSLNRR[Ser505Pro]RNVLSLLPET